The following is an entry in ClinVar:

ClinVar aggregate classification (germline): Uncertain significance (1 of 4 stars; one submission).

Conditions:
Immunodeficiency 67. Also called: Immunodeficiency due to interleukin-1 receptor-associated kinase-4 deficiency. Identifiers: Orphanet 70592, MedGen C1843256, MONDO:0011888, OMIM 607676.

Submission:

Labcorp Genetics (formerly Invitae), Labcorp
Classification: Uncertain significance for Immunodeficiency 67. Last evaluated: 2022-07-12. Review status: criteria provided, single submitter. Criteria: Invitae Variant Classification Sherloc (09022015). Collection method: clinical testing. Allele origin: germline.
Comment: This variant is not present in population databases (gnomAD no frequency). This sequence change replaces isoleucine, which is neutral and non-polar, with methionine, which is neutral and non-polar, at codon 118 of the IRAK4 protein (p.Ile118Met). This variant has not been reported in the literature in individuals affected with IRAK4-related conditions. ClinVar contains an entry for this variant (Variation ID: 1000082). Algorithms developed to predict the effect of missense changes on protein structure and function (SIFT, PolyPhen-2, Align-GVGD) all suggest that this variant is likely to be tolerated. In summary, the available evidence is currently insufficient to determine the role of this variant in disease. Therefore, it has been classified as a Variant of Uncertain Significance.

NM_016123.4(IRAK4):c.354A>G (p.Ile118Met)

Gene: IRAK4 (interleukin 1 receptor associated kinase 4; plus strand). Cytogenetic location: 12q12.
Variant type: single nucleotide variant.
Coding change: c.354A>G on transcript NM_016123.4 (MANE Select); coding-DNA position 354, A replaced by G.
Protein change: p.Ile118Met; replaces isoleucine 118 with methionine.
Molecular consequence: missense variant. On other transcripts: 5 prime UTR variant (10).
Genome position (GRCh38, 1-based): chr12:43,772,226, A>G. VCF-style: chr12-43772226-A-G. GRCh37 (hg19) VCF-style: chr12-44166029-A-G.
Other names: c.354A>G, p.Ile118Met (NM_001114182.3, NM_001351345.2); c.-19A>G (NM_001145256.2, NM_001145257.2, NM_001145258.2 and 5 more transcripts); c.-170A>G (NM_001351343.2, NM_001351344.2); short protein forms I118M.
Identifiers: ClinVar variation 1000082 (VCV001000082.9), dbSNP rs1940838592, ClinGen allele CA384468834.
Genomic context (GRCh38, chr12:43,772,226, plus strand): 5'-ACTTCATTTGTTAGATGCTGTTCCCAAAACTGCTAATACACTACCTTCTAAAGAAGCTAT[A>G]ACAGTTCAGCAAAAACAGATGCCTTTCTGTGACAAAGACAGGACATTGATGACACCTGTG-3'
Protein context (NP_057207.2, residues 108-128): TANTLPSKEA[Ile118Met]TVQQKQMPFC